The following is an entry in ClinVar:

NM_003482.4(KMT2D):c.3332C>T (p.Ala1111Val)

Gene: KMT2D (lysine methyltransferase 2D; minus strand). Cytogenetic location: 12q13.12.
Variant type: single nucleotide variant.
Coding change: c.3332C>T on transcript NM_003482.4 (MANE Select); coding-DNA position 3332, C replaced by T.
Protein change: p.Ala1111Val; replaces alanine 1111 with valine.
Molecular consequence: missense variant.
Genome position (GRCh38, 1-based): chr12:49,050,256, G>A on the plus strand (C>T on the coding strand, the complement: KMT2D is on the minus strand). VCF-style: chr12-49050256-G-A. GRCh37 (hg19) VCF-style: chr12-49444039-G-A.
Other names: short protein forms A1111V.
Identifiers: ClinVar variation 4778125 (VCV004778125.1).

ClinVar aggregate classification (germline): Uncertain significance (1 of 4 stars; one submission).

Conditions:
Kabuki syndrome. Also called: NIIKAWA-KUROKI SYNDROME; Kabuki make-up syndrome. Identifiers: Orphanet 2322, MedGen C0796004, MONDO:0016512.

Submission:

Labcorp Genetics (formerly Invitae), Labcorp
Classification: Uncertain significance for Kabuki syndrome. Last evaluated: 2025-09-29. Review status: criteria provided, single submitter. Criteria: Invitae Variant Classification Sherloc (09022015). Collection method: clinical testing. Allele origin: germline.
Comment: This sequence change replaces alanine, which is neutral and non-polar, with valine, which is neutral and non-polar, at codon 1111 of the KMT2D protein (p.Ala1111Val). This variant is not present in population databases (gnomAD no frequency). This variant has not been reported in the literature in individuals affected with KMT2D-related conditions. Invitae Evidence Modeling of protein sequence and biophysical properties (such as structural, functional, and spatial information, amino acid conservation, physicochemical variation, residue mobility, and thermodynamic stability) indicates that this missense variant is not expected to disrupt KMT2D protein function with a negative predictive value of 95%. In summary, the available evidence is currently insufficient to determine the role of this variant in disease. Therefore, it has been classified as a Variant of Uncertain Significance.